The following is an entry in ClinVar:

NM_013450.4(BAZ2B):c.502G>A (p.Gly168Ser)

Gene: BAZ2B (bromodomain adjacent to zinc finger domain 2B; minus strand). Cytogenetic location: 2q24.2.
Variant type: single nucleotide variant.
Coding change: c.502G>A on transcript NM_013450.4 (MANE Select); coding-DNA position 502, G replaced by A.
Protein change: p.Gly168Ser; replaces glycine 168 with serine.
Molecular consequence: missense variant.
Genome position (GRCh38, 1-based): chr2:159,448,242, C>T on the plus strand (G>A on the coding strand, the complement: BAZ2B is on the minus strand). VCF-style: chr2-159448242-C-T. GRCh37 (hg19) VCF-style: chr2-160304753-C-T.
Other names: c.496G>A, p.Gly166Ser (NM_001289975.1); c.313G>A, p.Gly105Ser (NM_001329857.2); c.502G>A, p.Gly168Ser (NM_001329858.2); short protein forms G105S, G166S, G168S.
Identifiers: ClinVar variation 2505364 (VCV002505364.4), dbSNP rs2547061538, ClinGen allele CA348939271.

ClinVar aggregate classification (germline): Conflicting classifications of pathogenicity. Review status: criteria provided, conflicting classifications (1 of 4 stars). 3 submissions from 3 submitters: Likely pathogenic (2); Uncertain significance (1). Last evaluated 2026-02-17.

Conditions:
BAZ2B-related Neurodevelopmental disorder.
BAZ2B-related disorder. Also called: BAZ2B-related condition.

Submissions (3):

Dasa
Classification: Uncertain significance for BAZ2B-related neurodevelopmental disorder. Last evaluated: 2026-02-17. Review status: criteria provided, single submitter. Criteria: DASA Assertion Criteria. Collection method: clinical testing. Allele origin: germline.
Comment: NM_013450.4(BAZ2B):c.502G>A (p.Gly168Ser) is a missense variant that results in the substitution of glycine with serine. This variant is absent from population databases. The currently available literature and clinical evidence are not sufficient to establish a definitive association between this variant and the reported condition. Therefore, this variant is classified as a variant of uncertain significance.

Daryl Scott Lab, Baylor College of Medicine
Classification: Likely pathogenic for BAZ2B-related disorder. Last evaluated: 2023-06-13. Review status: criteria provided, single submitter. Criteria: ACMG Guidelines, 2015. Collection method: curation. Allele origin: unknown. Affected: yes. Observed: 1 variant allele.

PreventionGenetics, part of Exact Sciences
Classification: Likely pathogenic for BAZ2B-related condition. Last evaluated: 2023-06-09. Review status: criteria provided, single submitter. Criteria: ACMG Guidelines, 2015. Collection method: clinical testing. Allele origin: germline.
Comment: The BAZ2B c.496G>A variant is predicted to result in the amino acid substitution p.Gly166Ser. To our knowledge, this variant has not been reported in the literature or in a large population database, indicating this variant is rare. This variant is the terminal nucleotide of exon 5 and is predicted to abolish the canonical splice donor site based on prediction algorithms (Alamut Visual Plus v.1.6.1). Gene-Specific RNA Sequencing Targeted Analyses completed at another CLIA-certified clinical laboratory support the deleterious nature of this variant on mRNA splicing (copy of report is on file at PreventionGenetics). Furthermore, loss of function variants in BAZ2B are expected to be pathogenic (pLI= 0.98; Scott et al. 2020. PubMed ID: 31999386). Taken together, we interpret this variant as likely pathogenic.

Literature cited by the submitters: PubMed 37872713 (cited by Daryl Scott Lab, Baylor College of Medicine).